The following is an entry in ClinVar:

ClinVar aggregate classification (germline): Uncertain significance. Review status: criteria provided, multiple submitters, no conflicts (2 of 4 stars). 2 submissions from 2 submitters: Uncertain significance (2). Last evaluated 2024-10-21.

Conditions:
Progressive sclerosing poliodystrophy (MTDPS4A). Also called: NEURONAL DEGENERATION OF CHILDHOOD WITH LIVER DISEASE, PROGRESSIVE; Alpers Syndrome; ALPERS DIFFUSE DEGENERATION OF CEREBRAL GRAY MATTER WITH HEPATIC CIRRHOSIS; Alpers-Huttenlocher Syndrome; Mitochondrial DNA Depletion Syndrome 4A; Alpers-Huttenlocher Syndrome (AHS). Identifiers: Orphanet 726, MedGen C0205710, MONDO:0008758, OMIM 203700.
Inborn genetic diseases. Identifiers: MedGen C0950123, MeSH D030342.

Allele frequency attached by ClinVar (database versions not stated): TOPMed below 0.00001; gnomAD exomes 0.00001.
gnomAD v4.1: 5 of 1,541,896 alleles (0.00032%); highest among the groups gnomAD compares: Admixed American, 0.0078%; no homozygotes.

Submissions (2):

Labcorp Genetics (formerly Invitae), Labcorp
Classification: Uncertain significance for Progressive sclerosing poliodystrophy. Last evaluated: 2024-10-21. Review status: criteria provided, single submitter. Criteria: Invitae Variant Classification Sherloc (09022015). Collection method: clinical testing. Allele origin: germline.
Comment: This sequence change replaces alanine, which is neutral and non-polar, with valine, which is neutral and non-polar, at codon 21 of the POLG protein (p.Ala21Val). This variant is present in population databases (rs796052893, gnomAD 0.01%). This variant has not been reported in the literature in individuals affected with POLG-related conditions. ClinVar contains an entry for this variant (Variation ID: 1752716). Invitae Evidence Modeling of protein sequence and biophysical properties (such as structural, functional, and spatial information, amino acid conservation, physicochemical variation, residue mobility, and thermodynamic stability) indicates that this missense variant is not expected to disrupt POLG protein function with a negative predictive value of 95%. In summary, the available evidence is currently insufficient to determine the role of this variant in disease. Therefore, it has been classified as a Variant of Uncertain Significance.

Ambry Genetics
Classification: Uncertain significance for Inborn genetic diseases. Last evaluated: 2018-10-11. Review status: criteria provided, single submitter. Criteria: Ambry Variant Classification Scheme 2023. Collection method: clinical testing. Allele origin: germline.
Comment: The p.A21V variant (also known as c.62C>T), located in coding exon 1 of the POLG gene, results from a C to T substitution at nucleotide position 62. The alanine at codon 21 is replaced by valine, an amino acid with similar properties. This amino acid position is highly conserved in available vertebrate species. In addition, this alteration is predicted to be tolerated by in silico analysis. Since supporting evidence is limited at this time, the clinical significance of this alteration remains unclear.

NM_002693.3(POLG):c.62C>T (p.Ala21Val)

Genes: POLG (DNA polymerase gamma, catalytic subunit; minus strand), POLGARF (POLG alternative reading frame; minus strand). Cytogenetic location: 15q26.1.
Variant type: single nucleotide variant.
Coding change: c.62C>T on transcript NM_002693.3 (MANE Select); coding-DNA position 62, C replaced by T.
Protein change: p.Ala21Val; replaces alanine 21 with valine.
Molecular consequence: missense variant.
Genome position (GRCh38, 1-based): chr15:89,333,693, G>A on the plus strand (C>T on the coding strand, the complement: POLG is on the minus strand). VCF-style: chr15-89333693-G-A. GRCh37 (hg19) VCF-style: chr15-89876924-G-A.
Other names: c.62C>T, p.Ala21Val (NM_001126131.2); short protein forms A21V.
Identifiers: ClinVar variation 1752716 (VCV001752716.7), dbSNP rs796052893, ClinGen allele CA316734.